The following is an entry in ClinVar:

ClinVar aggregate classification (germline): Pathogenic. Review status: criteria provided, multiple submitters, no conflicts (2 of 4 stars). 8 submissions from 8 submitters: Pathogenic (7). 1 of the submissions does not count toward it. Last evaluated 2026-03-04.

Conditions:
RPL5-related disorder. Also called: RPL5-related condition.
Diamond-Blackfan anemia. Also called: Blackfan Diamond syndrome; Aregenerative anemia chronic congenital; Red cell aplasia, pure hereditary; Congenital hypoplastic anemia; Aase syndrome. Identifiers: Orphanet 124, MedGen C1260899, MeSH D029503, MONDO:0015253, HP:0004810.
Diamond-Blackfan anemia 6 (DBA6). Also called: RPL5-Related Diamond-Blackfan Anemia. Identifiers: Orphanet 124, MedGen C2931850, MONDO:0012937, OMIM 612561.

Submissions (8):

Victorian Clinical Genetics Services, Murdoch Childrens Research Institute
Classification: Pathogenic for Diamond-Blackfan anemia 6. Last evaluated: 2026-03-04. Review status: criteria provided, single submitter. Criteria: ACMG Guidelines, 2015. Collection method: clinical testing. Allele origin: germline. Affected: yes.
Comment: This variant is classified as Pathogenic. Evidence in support of pathogenic classification: Variant is predicted to result in a truncated protein (premature termination codon is located within the first 102 nucleotides of the coding sequence and is predicted to escape nonsense-mediated decay); Variant is absent from gnomAD (v2, v3 and v4); This variant has moderate previous evidence of pathogenicity in unrelated individuals. This variant has been classified as pathogenic by clinical laboratories in ClinVar. - Other 5' NMD-escape variant(s) comparable to the one identified in this case have very strong previous evidence for pathogenicity (DECIPHER). Additional information: This variant is heterozygous; This gene is associated with autosomal dominant disease; Loss of function is a known mechanism of disease in this gene and is associated with Diamond-Blackfan anaemia 6 (MIM#612561); Inheritance information for this variant is not currently available in this individual.

CeGaT Center for Human Genetics Tuebingen
Classification: Pathogenic. Last evaluated: 2026-03-01. Review status: criteria provided, single submitter. Criteria: CeGaT Center For Human Genetics Tuebingen Variant Classification Criteria Version 2. Collection method: clinical testing. Allele origin: germline. Affected: yes. Observed: 1 variant allele.
Comment: RPL5: PVS1:Strong, PM2, PM6, PS4:Moderate

PreventionGenetics, part of Exact Sciences
Classification: Pathogenic for RPL5-related condition. Last evaluated: 2025-09-03. Review status: criteria provided, single submitter. Criteria: ACMG Guidelines, 2015. Collection method: clinical testing. Allele origin: germline.
Comment: The RPL5 c.67C>T variant is predicted to result in premature protein termination (p.Arg23*). This variant has been reported to be causative for Diamond-Blackfan anemia (See for example: Gazda et al. 2008. PubMed ID: 19061985; Smetanina et al. 2015. PubMed ID: 25946618). This variant has not been reported in a large population database (gnomAD), indicating this variant is rare. Nonsense variants in RPL5 are expected to be pathogenic. This variant is interpreted as pathogenic.

Labcorp Genetics (formerly Invitae), Labcorp
Classification: Pathogenic for Diamond-Blackfan anemia. Last evaluated: 2025-08-14. Review status: criteria provided, single submitter. Criteria: Invitae Variant Classification Sherloc (09022015). Collection method: clinical testing. Allele origin: germline.
Comment: This sequence change creates a premature translational stop signal (p.Arg23*) in the RPL5 gene. It is expected to result in an absent or disrupted protein product. Loss-of-function variants in RPL5 are known to be pathogenic (PMID: 19061985, 19773262). This variant is not present in population databases (gnomAD no frequency). This premature translational stop signal has been observed in individual(s) with Diamond-Blackfan anemia and congenital heart disease (PMID: 19061985, 28991257). ClinVar contains an entry for this variant (Variation ID: 6179). Algorithms developed to predict the effect of sequence changes on RNA splicing suggest that this variant may disrupt the consensus splice site. For these reasons, this variant has been classified as Pathogenic.

Blueprint Genetics
Classification: Pathogenic for RPL5-related disorders. Last evaluated: 2024-07-16. Review status: criteria provided, single submitter. Criteria: ACMG Guidelines, 2015. Collection method: clinical testing. Allele origin: de novo. Affected: yes. Observed: 2 variant alleles.

GeneDx
Classification: Pathogenic. Last evaluated: 2023-05-15. Review status: criteria provided, single submitter. Criteria: GeneDx Variant Classification Process June 2021. Collection method: clinical testing. Allele origin: germline. Affected: yes.
Comment: Nonsense variant predicted to result in protein truncation or nonsense mediated decay in a gene for which loss-of-function is a known mechanism of disease; Not observed in large population cohorts (gnomAD); This variant is associated with the following publications: (PMID: 23744582, 25525159, 28991257, 32368696, 33084842, 19061985)

Ambry Genetics
Classification: Pathogenic for Diamond-Blackfan anemia. Last evaluated: 2020-09-14. Review status: criteria provided, single submitter. Criteria: Ambry Variant Classification Scheme 2023. Collection method: clinical testing. Allele origin: germline.
Comment: The p.R23* pathogenic mutation (also known as c.67C>T), located in coding exon 2 of the RPL5 gene, results from a C to T substitution at nucleotide position 67. This changes the amino acid from an arginine to a stop codon within coding exon 2. This alteration was reported to occur de novo in an individual diagnosed with Diamond-Blackfan anemia (DBA) who was also born with cleft lip and palate (Gazda HT et al. Am. J. Hum. Genet., 2008 Dec;83:769-80), and has been detected in other DBA cohorts and in a congenital heart disease cohort (Smetanina NS et al. Pediatr Blood Cancer. 2015 Sep;62(9):1597-600; Jin SC et al. Nat. Genet. 2017 Nov;49(11):1593-1601). A study of induced pluripotent stem cells derived from a patient with this mutation reported defects in ribosome biogenesis and hematopoiesis (Gar&ccedil;on L et al. Blood. 2013 Aug;122(6):912-21). In addition to the clinical data presented in the literature, this alteration is expected to result in loss of function by premature protein truncation or nonsense-mediated mRNA decay. As such, this alteration is interpreted as a disease-causing mutation.

OMIM
Classification: Pathogenic for DIAMOND-BLACKFAN ANEMIA 6. Last evaluated: 2008-12-01. Review status: no assertion criteria provided. Collection method: literature only. Allele origin: germline. Not counted in ClinVar's aggregate classification.

Literature cited by the submitters: PubMed 19061985 (cited by 3 submitters); PubMed 19773262 (cited by Labcorp Genetics (formerly Invitae), Labcorp); PubMed 28991257 (cited by Labcorp Genetics (formerly Invitae), Labcorp and Ambry Genetics); PubMed 23744582 (cited by Ambry Genetics); PubMed 25946618 (cited by Ambry Genetics).

NM_000969.5(RPL5):c.67C>T (p.Arg23Ter)

Genes: DIPK1A (divergent protein kinase domain 1A; minus strand), RPL5 (ribosomal protein L5; plus strand). Cytogenetic location: 1p22.1.
Variant type: single nucleotide variant.
Coding change: c.67C>T on transcript NM_000969.5 (MANE Select); coding-DNA position 67, C replaced by T.
Protein change: p.Arg23Ter; replaces arginine 23 with a stop codon.
Molecular consequence: nonsense. On other transcripts: non-coding transcript variant (1), intron variant (1).
Genome position (GRCh38, 1-based): chr1:92,833,452, C>T. VCF-style: chr1-92833452-C-T. GRCh37 (hg19) VCF-style: chr1-93299009-C-T.
Other names: c.475-418G>A (NM_001252273.2); short protein forms R23*.
Identifiers: ClinVar variation 6179 (VCV000006179.22), dbSNP rs121434405, ClinGen allele CA253786.